The following is an entry in ClinVar:

NM_001110556.2(FLNA):c.6372C>G (p.His2124Gln)

Gene: FLNA (filamin A; minus strand). Cytogenetic location: Xq28.
Variant type: single nucleotide variant.
Coding change: c.6372C>G on transcript NM_001110556.2 (MANE Select); coding-DNA position 6372, C replaced by G.
Protein change: p.His2124Gln; replaces histidine 2124 with glutamine.
Molecular consequence: missense variant.
Genome position (GRCh38, 1-based): chrX:154,352,779, G>C on the plus strand (C>G on the coding strand, the complement: FLNA is on the minus strand). VCF-style: chrX-154352779-G-C. GRCh37 (hg19) VCF-style: chrX-153581147-G-C.
Other names: c.6348C>G, p.His2116Gln (NM_001456.4); short protein forms H2124Q, H2116Q.
Identifiers: ClinVar variation 1030454 (VCV001030454.12), dbSNP rs781999359, ClinGen allele CA415193009.

ClinVar aggregate classification (germline): Uncertain significance. Review status: criteria provided, multiple submitters, no conflicts (2 of 4 stars). 6 submissions from 6 submitters: Uncertain significance (6). Last evaluated 2023-04-05.

Conditions:
Heterotopia, periventricular, X-linked dominant (PVNH1). Also called: PERIVENTRICULAR NODULAR HETEROTOPIA 4; HETEROTOPIA, PERIVENTRICULAR, 1; X-linked periventricular heterotopia; PERIVENTRICULAR NODULAR HETEROTOPIA 1. Identifiers: Orphanet 2149, Orphanet 82004, MedGen C1848213, MONDO:0010233, OMIM 300049.
Oto-palato-digital syndrome, type II (OPD2). Also called: Otopalatodigital Syndrome, Type II; Otopalatodigital Syndrome Type 2 (FLNA-OPD2); FACIOPALATOOSSEOUS SYNDROME; OPD II SYNDROME. Identifiers: Orphanet 669, Orphanet 90652, MedGen C1844696, MONDO:0010571, OMIM 304120.
Frontometaphyseal dysplasia (FMD1). Identifiers: Orphanet 1826, MedGen C0265293, MONDO:0015942.
Melnick-Needles syndrome (MNS). Also called: Melnick-Needles Syndrome (FLNA-MNS); MELNICK-NEEDLES OSTEODYSPLASTY; OSTEODYSPLASTY OF MELNICK AND NEEDLES. Identifiers: Orphanet 2484, MedGen C0025237, MONDO:0010650, OMIM 309350.
Oto-palato-digital syndrome, type I (OPD1). Also called: Otopalatodigital Syndrome, Type I; Taybi syndrome; Otopalatodigital Syndrome Type 1 (FLNA-OPD1); OPD I SYNDROME; OPD SYNDROME 1. Identifiers: Orphanet 669, Orphanet 90650, MedGen C0265251, MONDO:0010704, OMIM 311300.
Familial thoracic aortic aneurysm and aortic dissection (TAAD). Also called: Thoracic aortic aneurysms and dissections. Identifiers: Orphanet 91387, MedGen C4707243, MONDO:0019625.

Submissions (6):

Women's Health and Genetics/Laboratory Corporation of America, LabCorp
Classification: Uncertain significance. Last evaluated: 2023-04-05. Review status: criteria provided, single submitter. Criteria: LabCorp Variant Classification Summary - May 2015. Collection method: clinical testing. Allele origin: germline.
Comment: Variant summary: FLNA c.6348C>G (p.His2116Gln) results in a non-conservative amino acid change located in the Filamin repeat 19 (IPR001298) of the encoded protein sequence. Five of five in-silico tools predict a damaging effect of the variant on protein function. The variant was absent in 181432 control chromosomes (gnomAD). The available data on variant occurrences in the general population are insufficient to allow any conclusion about variant significance. c.6348C>G has been reported in the literature in at least one hemizygous individual, who was affected with prune belly syndrome and congenital anomalies of the kidney and urinary tract, however, without strong evidence for causality (van der Ven_2018). This report does not provide unequivocal conclusions about association of the variant with Periventricular Nodular Heterotopia 1. To our knowledge, no experimental evidence demonstrating an impact on protein function has been reported. Four ClinVar submitters (evaluation after 2014) have cited the variant, and all laboratories classified the variant as uncertain significance. Based on the evidence outlined above, the variant was classified as uncertain significance.

Labcorp Genetics (formerly Invitae), Labcorp
Classification: Uncertain significance for Oto-palato-digital syndrome, type II; Heterotopia, periventricular, X-linked dominant; Frontometaphyseal dysplasia; Melnick-Needles syndrome. Last evaluated: 2022-08-17. Review status: criteria provided, single submitter. Criteria: Invitae Variant Classification Sherloc (09022015). Collection method: clinical testing. Allele origin: germline.
Comment: In summary, the available evidence is currently insufficient to determine the role of this variant in disease. Therefore, it has been classified as a Variant of Uncertain Significance. Algorithms developed to predict the effect of sequence changes on RNA splicing suggest that this variant may create or strengthen a splice site. Advanced modeling of protein sequence and biophysical properties (such as structural, functional, and spatial information, amino acid conservation, physicochemical variation, residue mobility, and thermodynamic stability) performed at Invitae indicates that this missense variant is not expected to disrupt FLNA protein function. ClinVar contains an entry for this variant (Variation ID: 1030454). This missense change has been observed in individual(s) with prune belly syndrome (PMID: 30143558). This sequence change replaces histidine, which is basic and polar, with glutamine, which is neutral and polar, at codon 2116 of the FLNA protein (p.His2116Gln). This variant is not present in population databases (gnomAD no frequency).

Blueprint Genetics
Classification: Uncertain significance. Last evaluated: 2021-10-27. Review status: criteria provided, single submitter. Criteria: ACMG Guidelines, 2015. Collection method: clinical testing. Allele origin: germline.

Revvity Omics, Revvity
Classification: Uncertain significance. Last evaluated: 2021-04-29. Review status: criteria provided, single submitter. Criteria: ACMG Guidelines, 2015. Collection method: clinical testing. Allele origin: germline.

Baylor Genetics
Classification: Uncertain significance for Oto-palato-digital syndrome, type I. Last evaluated: 2019-12-11. Review status: criteria provided, single submitter. Criteria: ACMG Guidelines, 2015. Collection method: clinical testing. Allele origin: unknown. Affected: yes.
Comment: This variant was determined to be of uncertain significance according to ACMG Guidelines, 2015 [PMID:25741868].

Ambry Genetics
Classification: Uncertain significance for Familial thoracic aortic aneurysm and aortic dissection. Last evaluated: 2018-07-13. Review status: criteria provided, single submitter. Criteria: Ambry Variant Classification Scheme 2023. Collection method: clinical testing. Allele origin: germline.
Comment: The p.H2116Q variant (also known as c.6348C>G), located in coding exon 37 of the FLNA gene, results from a C to G substitution at nucleotide position 6348. The histidine at codon 2116 is replaced by glutamine, an amino acid with highly similar properties. This amino acid position is highly conserved in available vertebrate species. In addition, the in silico prediction for this alteration is inconclusive. Since supporting evidence is limited at this time, the clinical significance of this alteration remains unclear.

Literature cited by the submitters: PubMed 30143558 (cited by Women's Health and Genetics/Laboratory Corporation of America, LabCorp and Labcorp Genetics (formerly Invitae), Labcorp).